The following is an entry in ClinVar:

ClinVar aggregate classification (germline): Conflicting classifications of pathogenicity. Review status: criteria provided, conflicting classifications (1 of 4 stars). 4 submissions from 4 submitters: Uncertain significance (1); Likely benign (2). 1 of the submissions does not count toward it. Last evaluated 2026-04-17.

Allele frequency attached by ClinVar (database versions not stated): ESP Exome Variant Server 0.00008; gnomAD exomes 0.00010 and 0.00011; TOPMed 0.00012; gnomAD 0.00014 and 0.00015; ExAC 0.00007.

Submissions (4):

Women's Health and Genetics/Laboratory Corporation of America, LabCorp
Classification: Likely benign. Last evaluated: 2026-04-17. Review status: criteria provided, single submitter. Criteria: LabCorp Variant Classification Summary - May 2015. Collection method: clinical testing. Allele origin: germline.
Comment: Variant summary: TNFAIP3 c.2036T>C (p.Ile679Thr) results in a non-conservative amino acid change in the encoded protein sequence. Algorithms developed to predict the effect of missense changes on protein structure and function are either unavailable or do not agree on the potential impact of this missense change. The variant allele was found at a frequency of 9.9e-05 in 251492 control chromosomes. The observed variant frequency exceeds the estimated maximal expected allele frequency for disease-causing variants in TNFAIP3. c.2036T>C has been observed in individual(s) affected with Autoinflammatory disorders, without strong evidence for causality (Arunachalam_2021, Suri_2021). These report(s) do not provide unequivocal conclusions about association of the variant with Autoinflammatory syndrome, familial, Behcet-like 1. To our knowledge, no experimental evidence demonstrating an impact on protein function has been reported. The following publications have been ascertained in the context of this evaluation (PMID: 33225392, 33815380). ClinVar contains an entry for this variant (Variation ID: 135346). Based on the evidence outlined above, the variant was classified as likely benign.

Labcorp Genetics (formerly Invitae), Labcorp
Classification: Uncertain significance. Last evaluated: 2026-01-25. Review status: criteria provided, single submitter. Criteria: Invitae Variant Classification Sherloc (09022015). Collection method: clinical testing. Allele origin: germline.
Comment: This sequence change replaces isoleucine, which is neutral and non-polar, with threonine, which is neutral and polar, at codon 679 of the TNFAIP3 protein (p.Ile679Thr). This variant is present in population databases (rs140610274, gnomAD 0.02%). This missense change has been observed in individual(s) with autoinflammatory disorders (PMID: 33225392). ClinVar contains an entry for this variant (Variation ID: 135346). An algorithm developed to predict the effect of missense changes on protein structure and function (PolyPhen-2) suggests that this variant is likely to be disruptive. In summary, the available evidence is currently insufficient to determine the role of this variant in disease. Therefore, it has been classified as a Variant of Uncertain Significance.

CeGaT Center for Human Genetics Tuebingen
Classification: Likely benign. Last evaluated: 2025-11-01. Review status: criteria provided, single submitter. Criteria: CeGaT Center For Human Genetics Tuebingen Variant Classification Criteria Version 2. Collection method: clinical testing. Allele origin: germline. Affected: yes. Observed: 1 variant allele.
Comment: TNFAIP3: BP4

ITMI
No classification provided. Condition: AllHighlyPenetrant. Last evaluated: 2013-09-19. Review status: no classification provided. Collection method: reference population. Allele origin: germline. Not counted in ClinVar's aggregate classification.
Comment: Please see associated publication for description of ethnicities

Literature cited by the submitters: PubMed 33225392 (cited by Women's Health and Genetics/Laboratory Corporation of America, LabCorp and Labcorp Genetics (formerly Invitae), Labcorp); PubMed 33815380 (cited by Women's Health and Genetics/Laboratory Corporation of America, LabCorp); PubMed 24728327 (cited by ITMI).

NM_001270508.2(TNFAIP3):c.2036T>C (p.Ile679Thr)

Gene: TNFAIP3 (TNF alpha induced protein 3; plus strand). Cytogenetic location: 6q23.3.
Variant type: single nucleotide variant.
Coding change: c.2036T>C on transcript NM_001270508.2 (MANE Select); coding-DNA position 2036, T replaced by C.
Protein change: p.Ile679Thr; replaces isoleucine 679 with threonine.
Molecular consequence: missense variant.
Genome position (GRCh38, 1-based): chr6:137,880,200, T>C. VCF-style: chr6-137880200-T-C. GRCh37 (hg19) VCF-style: chr6-138201337-T-C.
Other names: c.2036T>C, p.Ile679Thr (NM_001270507.2, NM_006290.4); short protein forms I679T.
Identifiers: ClinVar variation 135346 (VCV000135346.15), dbSNP rs140610274, ClinGen allele CA162439.
Genomic context (GRCh38, chr6:137,880,200, plus strand): 5'-GGAGGGAATGCGGCACCCTTGGAAGCACCATGTTTGAAGGATACTGCCAGAAGTGTTTCA[T>C]TGAAGCTCAGAATCAGAGATTTCATGAGGCCAAAAGGACAGAAGAGCAACTGGTGAGACA-3'
Protein context (NP_001257437.1, residues 669-689): MFEGYCQKCF[Ile679Thr]EAQNQRFHEA